The following is an entry in ClinVar:

ClinVar aggregate classification (germline): Uncertain significance (1 of 4 stars; one submission).

Allele frequency attached by ClinVar (database versions not stated): ExAC 0.00001.
gnomAD v4.1: 1 of 1,614,218 alleles (0.000062%); highest among the groups gnomAD compares: Non-Finnish European, 0.000085%; no homozygotes.

Submission:

Labcorp Genetics (formerly Invitae), Labcorp
Classification: Uncertain significance. Last evaluated: 2023-04-24. Review status: criteria provided, single submitter. Criteria: Invitae Variant Classification Sherloc (09022015). Collection method: clinical testing. Allele origin: germline.
Comment: In summary, the available evidence is currently insufficient to determine the role of this variant in disease. Therefore, it has been classified as a Variant of Uncertain Significance. Advanced modeling of protein sequence and biophysical properties (such as structural, functional, and spatial information, amino acid conservation, physicochemical variation, residue mobility, and thermodynamic stability) performed at Invitae indicates that this missense variant is not expected to disrupt FN1 protein function. This variant has not been reported in the literature in individuals affected with FN1-related conditions. This variant is present in population databases (rs766749746, gnomAD 0.0009%). This sequence change replaces isoleucine, which is neutral and non-polar, with valine, which is neutral and non-polar, at codon 126 of the FN1 protein (p.Ile126Val).

NM_212482.4(FN1):c.376A>G (p.Ile126Val)

Gene: FN1 (fibronectin 1; minus strand). Cytogenetic location: 2q35.
Variant type: single nucleotide variant.
Coding change: c.376A>G on transcript NM_212482.4 (MANE Select); coding-DNA position 376, A replaced by G.
Protein change: p.Ile126Val; replaces isoleucine 126 with valine.
Molecular consequence: missense variant.
Genome position (GRCh38, 1-based): chr2:215,433,363, T>C on the plus strand (A>G on the coding strand, the complement: FN1 is on the minus strand). VCF-style: chr2-215433363-T-C. GRCh37 (hg19) VCF-style: chr2-216298086-T-C.
Other names: c.376A>G, p.Ile126Val (NM_001365524.2, NM_002026.4, NM_054034.3 and 14 more transcripts); short protein forms I126V.
Identifiers: ClinVar variation 2858800 (VCV002858800.3), dbSNP rs766749746, ClinGen allele CA2095593.
Genomic context (GRCh38, chr2:215,433,363, plus strand): 5'-TTTACACAATCTCTTCCTTACTTGCGATGGTACAGCTTATTCTCCCTCGCCCAGCCCCGA[T>C]GCAGGTACAGTCCCAGATCATGGAGTCTTTAGGACGCTCATAAGTGTCACCCACTCGGTA-3'
Protein context (NP_997647.2, residues 116-136): KDSMIWDCTC[Ile126Val]GAGRGRISCT